The following is an entry in ClinVar:

NM_015102.5(NPHP4):c.2328G>A (p.Pro776=)

Gene: NPHP4 (nephrocystin 4; minus strand). Cytogenetic location: 1p36.31.
Variant type: single nucleotide variant.
Coding change: c.2328G>A on transcript NM_015102.5 (MANE Select); coding-DNA position 2328, G replaced by A.
Protein change: p.Pro776=; no amino-acid change (proline 776 retained).
Molecular consequence: synonymous variant. On other transcripts: non-coding transcript variant (1).
Genome position (GRCh38, 1-based): chr1:5,887,443, C>T on the plus strand (G>A on the coding strand, the complement: NPHP4 is on the minus strand). VCF-style: chr1-5887443-C-T. GRCh37 (hg19) VCF-style: chr1-5947503-C-T.
Other names: c.789G>A, p.Pro263= (NM_001291593.2); c.792G>A, p.Pro264= (NM_001291594.2); c.2328G>A (NM_015102.4).
Identifiers: ClinVar variation 1082450 (VCV001082450.10), dbSNP rs770986448, ClinGen allele CA554150.

ClinVar aggregate classification (germline): Likely benign. Review status: criteria provided, multiple submitters, no conflicts (2 of 4 stars). 2 submissions from 2 submitters: Likely benign (2). Last evaluated 2025-01-03.

Conditions:
NPHP4-related disorder. Also called: NPHP4-related disorders; NPHP4-related condition. Identifiers: MedGen CN239384.
Nephronophthisis. Also called: Juvenile Nephronophthisis. Identifiers: Orphanet 655, MedGen C0687120, MONDO:0019005, HP:0000090.

Allele frequency attached by ClinVar (database versions not stated): gnomAD 0.00001; gnomAD exomes 0.00001 and 0.00002; TOPMed 0.00001; ExAC 0.00003.
gnomAD v4.1: 13 of 1,613,138 alleles (0.00081%); highest among the groups gnomAD compares: Admixed American, 0.0083%; no homozygotes.

Submissions (2):

PreventionGenetics, part of Exact Sciences
Classification: Likely benign for NPHP4-related condition. Last evaluated: 2025-01-03. Review status: criteria provided, single submitter. Criteria: ACMG Guidelines, 2015. Collection method: clinical testing. Allele origin: germline.
Comment: This variant is classified as likely benign based on ACMG/AMP sequence variant interpretation guidelines (Richards et al. 2015 PMID: 25741868, with internal and published modifications).

Labcorp Genetics (formerly Invitae), Labcorp
Classification: Likely benign for Nephronophthisis. Last evaluated: 2023-02-28. Review status: criteria provided, single submitter. Criteria: Invitae Variant Classification Sherloc (09022015). Collection method: clinical testing. Allele origin: germline.